The following is an entry in ClinVar:

NM_001807.6(CEL):c.2127C>T (p.Ser709=)

Gene: CEL (carboxyl ester lipase; plus strand). Cytogenetic location: 9q34.13.
Variant type: single nucleotide variant.
Coding change: c.2127C>T on transcript NM_001807.6 (MANE Select); coding-DNA position 2127, C replaced by T.
Protein change: p.Ser709=; no amino-acid change (serine 709 retained).
Molecular consequence: synonymous variant.
Genome position (GRCh38, 1-based): chr9:133,071,629, C>T. VCF-style: chr9-133071629-C-T. GRCh37 (hg19) VCF-style: chr9-135947016-C-T.
Identifiers: ClinVar variation 3388200 (VCV003388200.14).

ClinVar aggregate classification (germline): Likely benign (1 of 4 stars; one submission).

Submission:

CeGaT Center for Human Genetics Tuebingen
Classification: Likely benign. Last evaluated: 2025-04-01. Review status: criteria provided, single submitter. Criteria: CeGaT Center For Human Genetics Tuebingen Variant Classification Criteria Version 2. Collection method: clinical testing. Allele origin: germline. Affected: yes. Observed: 2 variant alleles.
Comment: CEL: BP4, BP7